The following is an entry in ClinVar:

ClinVar aggregate classification (germline): Likely benign (1 of 4 stars; one submission).

Allele frequency attached by ClinVar (database versions not stated): 1000 Genomes Project 0.00140; 1000 Genomes Project 30x 0.00187; TOPMed 0.00387; ExAC 0.00424; gnomAD 0.00467; ESP Exome Variant Server 0.00469.
gnomAD v4.1: 11,180 of 1,613,932 alleles (0.69%); highest among the groups gnomAD compares: Non-Finnish European, 0.84%; 59 homozygotes.

Submissions (8):

CeGaT Center for Human Genetics Tuebingen
Classification: Likely benign. Last evaluated: 2022-11-01. Review status: criteria provided, single submitter. Criteria: CeGaT Center For Human Genetics Tuebingen Variant Classification Criteria Version 2. Collection method: clinical testing. Allele origin: germline. Affected: yes. Observed: 1 variant allele.
Comment: ARHGAP10: BP4, BP7, BS2

Dr. Peter K. Rogan Lab, Western University
No classification provided (evidence only). Condition: Malignant tumor of urinary bladder. Review status: no classification provided. Collection method: in vitro. Allele origin: not applicable. Functional consequence: skipped exon. Not counted in ClinVar's aggregate classification.

Dr. Peter K. Rogan Lab, Western University
No classification provided (evidence only). Condition: Acute myeloid leukemia. Review status: no classification provided. Collection method: in vitro. Allele origin: not applicable. Functional consequence: skipped exon. Not counted in ClinVar's aggregate classification.

Dr. Peter K. Rogan Lab, Western University
No classification provided (evidence only). Condition: Acute myeloid leukemia. Review status: no classification provided. Collection method: in vitro. Allele origin: not applicable. Functional consequence: retained intron. Not counted in ClinVar's aggregate classification.

Dr. Peter K. Rogan Lab, Western University
No classification provided (evidence only). Condition: Colon adenocarcinoma. Review status: no classification provided. Collection method: in vitro. Allele origin: not applicable. Functional consequence: skipped exon, retained intron. Not counted in ClinVar's aggregate classification.

Dr. Peter K. Rogan Lab, Western University
No classification provided (evidence only). Condition: Cervical cancer. Review status: no classification provided. Collection method: in vitro. Allele origin: not applicable. Functional consequence: skipped exon, retained intron. Not counted in ClinVar's aggregate classification.

Dr. Peter K. Rogan Lab, Western University
No classification provided (evidence only). Condition: Ovarian serous cystadenocarcinoma. Review status: no classification provided. Collection method: in vitro. Allele origin: not applicable. Functional consequence: retained intron. Not counted in ClinVar's aggregate classification.

Dr. Peter K. Rogan Lab, Western University
No classification provided (evidence only). Condition: Malignant tumor of esophagus. Review status: no classification provided. Collection method: in vitro. Allele origin: not applicable. Functional consequence: skipped exon. Not counted in ClinVar's aggregate classification.

NM_024605.4(ARHGAP10):c.1041C>T (p.Gly347=)

Gene: ARHGAP10 (Rho GTPase activating protein 10; plus strand). Cytogenetic location: 4q31.23.
Variant type: single nucleotide variant.
Coding change: c.1041C>T on transcript NM_024605.4 (MANE Select); coding-DNA position 1041, C replaced by T.
Protein change: p.Gly347=; no amino-acid change (glycine 347 retained).
Molecular consequence: synonymous variant.
Genome position (GRCh38, 1-based): chr4:147,906,644, C>T. VCF-style: chr4-147906644-C-T. GRCh37 (hg19) VCF-style: chr4-148827795-C-T.
Other names: NC_000004.11:g.148827795C>T.
Identifiers: ClinVar variation 2655117 (VCV002655117.25), dbSNP rs61748165, ClinGen allele CA3099396.
Genomic context (GRCh38, chr4:147,906,644, plus strand): 5'-AACTTGCCTTTTAGTGGCCAAGGGGTAACCTGATATGTTACTGGTGTCTTTCAGGCCTGG[C>T]GTTTCCTTGACCATGCAGGCATTTTCCGAAGAGGAAAGGAAGCAGTGGTTGGAAGCTCTG-3'
Protein context (NP_078881.3, residues 337-357): CFDIEAADRP[Gly347=]VSLTMQAFSE